The following is an entry in ClinVar:

ClinVar aggregate classification (germline): Uncertain significance (1 of 4 stars; one submission).

Conditions:
Hereditary cancer-predisposing syndrome. Also called: Neoplastic Syndromes, Hereditary; Tumor predisposition; Hereditary neoplastic syndrome; Hereditary Cancer Syndrome. Identifiers: Orphanet 140162, MedGen C0027672, MeSH D009386, MONDO:0015356.

Submission:

Ambry Genetics
Classification: Uncertain significance for Hereditary cancer-predisposing syndrome. Last evaluated: 2026-07-06. Review status: criteria provided, single submitter. Criteria: Ambry Variant Classification Scheme 2023. Collection method: clinical testing. Allele origin: germline.
Comment: The p.L30S variant (also known as c.89T>C), located in coding exon 3 of the SDHC gene, results from a T to C substitution at nucleotide position 89. The leucine at codon 30 is replaced by serine, an amino acid with dissimilar properties. This amino acid position is conserved. In addition, the in silico prediction for this alteration is inconclusive. Based on the available evidence, the clinical significance of this variant remains unclear.

NM_003001.5(SDHC):c.89T>C (p.Leu30Ser)

Gene: SDHC (succinate dehydrogenase complex subunit C; plus strand). Cytogenetic location: 1q23.3.
Variant type: single nucleotide variant.
Coding change: c.89T>C on transcript NM_003001.5 (MANE Select); coding-DNA position 89, T replaced by C.
Protein change: p.Leu30Ser; replaces leucine 30 with serine.
Molecular consequence: missense variant. On other transcripts: 5 prime UTR variant (2), non-coding transcript variant (1), intron variant (4).
Genome position (GRCh38, 1-based): chr1:161,328,407, T>C. VCF-style: chr1-161328407-T-C. GRCh37 (hg19) VCF-style: chr1-161298197-T-C.
Other names: c.89T>C, p.Leu30Ser (NM_001035511.3, NM_001407115.1); c.32T>C, p.Leu11Ser (NM_001407116.1, NM_001407117.1, NM_001407121.1); c.-23T>C (NM_001407119.1, NM_001407120.1); c.77+4737T>C (NM_001035512.3, NM_001278172.3, NM_001407118.1); c.21-12187T>C (NM_001035513.3); short protein forms L11S, L30S.
Identifiers: ClinVar variation 5029312 (VCV005029312.1).